The following is an entry in ClinVar:

NM_005477.3(HCN4):c.533C>T (p.Ser178Phe)

Gene: HCN4 (hyperpolarization activated cyclic nucleotide gated potassium channel 4; minus strand). Cytogenetic location: 15q24.1.
Variant type: single nucleotide variant.
Coding change: c.533C>T on transcript NM_005477.3 (MANE Select); coding-DNA position 533, C replaced by T.
Protein change: p.Ser178Phe; replaces serine 178 with phenylalanine.
Molecular consequence: missense variant.
Genome position (GRCh38, 1-based): chr15:73,367,738, G>A on the plus strand (C>T on the coding strand, the complement: HCN4 is on the minus strand). VCF-style: chr15-73367738-G-A. GRCh37 (hg19) VCF-style: chr15-73660079-G-A.
Other names: short protein forms S178F.
Identifiers: ClinVar variation 3681833 (VCV003681833.2).

ClinVar aggregate classification (germline): Uncertain significance (1 of 4 stars; one submission).

Conditions:
Brugada syndrome 8 (BRGDA8). Identifiers: Orphanet 130, MedGen C2751083, MONDO:0013148, OMIM 613123.

Submission:

Labcorp Genetics (formerly Invitae), Labcorp
Classification: Uncertain significance for Brugada syndrome 8. Last evaluated: 2024-11-04. Review status: criteria provided, single submitter. Criteria: Invitae Variant Classification Sherloc (09022015). Collection method: clinical testing. Allele origin: germline.
Comment: This sequence change replaces serine, which is neutral and polar, with phenylalanine, which is neutral and non-polar, at codon 178 of the HCN4 protein (p.Ser178Phe). This variant is not present in population databases (gnomAD no frequency). This variant has not been reported in the literature in individuals affected with HCN4-related conditions. Invitae Evidence Modeling of protein sequence and biophysical properties (such as structural, functional, and spatial information, amino acid conservation, physicochemical variation, residue mobility, and thermodynamic stability) indicates that this missense variant is not expected to disrupt HCN4 protein function with a negative predictive value of 95%. In summary, the available evidence is currently insufficient to determine the role of this variant in disease. Therefore, it has been classified as a Variant of Uncertain Significance.